The following is an entry in ClinVar:

ClinVar aggregate classification (germline): Uncertain significance (1 of 4 stars; one submission).

Conditions:
Deficiency of alpha-mannosidase (MANSA). Also called: Mannosidosis, alpha-, types I and II; Alpha-Mannosidosis; LYSOSOMAL ALPHA-D-MANNOSIDASE DEFICIENCY. Identifiers: Orphanet 61, MedGen C0024748, MONDO:0009561, OMIM 248500.

Submission:

Labcorp Genetics (formerly Invitae), Labcorp
Classification: Uncertain significance for Deficiency of alpha-mannosidase. Last evaluated: 2022-05-26. Review status: criteria provided, single submitter. Criteria: Invitae Variant Classification Sherloc (09022015). Collection method: clinical testing. Allele origin: germline.
Comment: In summary, the available evidence is currently insufficient to determine the role of this variant in disease. Therefore, it has been classified as a Variant of Uncertain Significance. Algorithms developed to predict the effect of missense changes on protein structure and function output the following: SIFT: "Tolerated"; PolyPhen-2: "Benign"; Align-GVGD: "Class C0". The leucine amino acid residue is found in multiple mammalian species, which suggests that this missense change does not adversely affect protein function. This variant has not been reported in the literature in individuals affected with MAN2B1-related conditions. This variant is not present in population databases (gnomAD no frequency). This sequence change replaces proline, which is neutral and non-polar, with leucine, which is neutral and non-polar, at codon 31 of the MAN2B1 protein (p.Pro31Leu).

NM_000528.4(MAN2B1):c.92C>T (p.Pro31Leu)

Genes: MAN2B1 (mannosidase alpha class 2B member 1; minus strand), LOC130063650 (ATAC-STARR-seq lymphoblastoid silent region 10156; plus strand). Cytogenetic location: 19p13.13.
Variant type: single nucleotide variant.
Coding change: c.92C>T on transcript NM_000528.4 (MANE Select); coding-DNA position 92, C replaced by T.
Protein change: p.Pro31Leu; replaces proline 31 with leucine.
Molecular consequence: missense variant.
Genome position (GRCh38, 1-based): chr19:12,666,610, G>A on the plus strand (C>T on the coding strand, the complement: MAN2B1 is on the minus strand). VCF-style: chr19-12666610-G-A. GRCh37 (hg19) VCF-style: chr19-12777424-G-A.
Other names: c.92C>T, p.Pro31Leu (NM_001173498.2); short protein forms P31L.
Identifiers: ClinVar variation 2131067 (VCV002131067.4), dbSNP rs2024252480, ClinGen allele CA404260693.
Genomic context (GRCh38, chr19:12,666,610, plus strand): 5'-CCCCCGGCCCGAGCACCGGCAGCCGCCAGCAACAAAAGGAAAAAGCAGAGAGGCGGGAGC[G>A]GTGGCCGCAGGGCGCGGGACATGGTCCAGGGGCCTGCTGAGTCCAGGCAGCCGCGAGCGC-3'
Protein context (NP_000519.2, residues 21-41): PWTMSRALRP[Pro31Leu]LPPLCFFLLL